The following is an entry in ClinVar:

ClinVar aggregate classification (germline): Uncertain significance (1 of 4 stars; one submission).

Submission:

Labcorp Genetics (formerly Invitae), Labcorp
Classification: Uncertain significance. Last evaluated: 2025-09-25. Review status: criteria provided, single submitter. Criteria: Invitae Variant Classification Sherloc (09022015). Collection method: clinical testing. Allele origin: germline.
Comment: This sequence change replaces valine, which is neutral and non-polar, with leucine, which is neutral and non-polar, at codon 284 of the COL11A1 protein (p.Val284Leu). This variant is not present in population databases (gnomAD no frequency). This variant has not been reported in the literature in individuals affected with COL11A1-related conditions. Invitae Evidence Modeling of protein sequence and biophysical properties (such as structural, functional, and spatial information, amino acid conservation, physicochemical variation, residue mobility, and thermodynamic stability) indicates that this missense variant is not expected to disrupt COL11A1 protein function with a negative predictive value of 95%. In summary, the available evidence is currently insufficient to determine the role of this variant in disease. Therefore, it has been classified as a Variant of Uncertain Significance.

NM_001854.4(COL11A1):c.850G>C (p.Val284Leu)

Gene: COL11A1 (collagen type XI alpha 1 chain; minus strand). Cytogenetic location: 1p21.1.
Variant type: single nucleotide variant.
Coding change: c.850G>C on transcript NM_001854.4 (MANE Select); coding-DNA position 850, G replaced by C.
Protein change: p.Val284Leu; replaces valine 284 with leucine.
Molecular consequence: missense variant. On other transcripts: non-coding transcript variant (1), intron variant (2).
Genome position (GRCh38, 1-based): chr1:103,026,263, C>G on the plus strand (G>C on the coding strand, the complement: COL11A1 is on the minus strand). VCF-style: chr1-103026263-C-G. GRCh37 (hg19) VCF-style: chr1-103491819-C-G.
Other names: c.850G>C, p.Val284Leu (NM_080630.4); c.781-650G>C (NM_001190709.2); c.781-311G>C (NM_080629.3); short protein forms V284L.
Identifiers: ClinVar variation 4799910 (VCV004799910.1).